The following is an entry in ClinVar:

ClinVar aggregate classification (germline): Uncertain significance (1 of 4 stars; one submission).

Conditions:
MELAS syndrome (MELAS). Also called: Juvenile myopathy, encephalopathy, lactic acidosis, stroke. Identifiers: Orphanet 550, MedGen C0162671, MONDO:0010789, OMIM 540000.

Submission:

Wong Mito Lab, Molecular and Human Genetics, Baylor College of Medicine
Classification: Uncertain significance for MELAS syndrome. Last evaluated: 2019-07-12. Review status: criteria provided, single submitter. Criteria: Modified ACMG Guidelines (Unpublished). Collection method: clinical testing. Allele origin: germline.
Comment: The NC_012920.1:m.7555T>C variant in MT-TD gene is interpreted to be a Unknown Significance variant based on the modified ACMG guidelines (unpublished). This variant meets the following evidence codes reported in the guidelines: PP3, PP6, PP7

Literature cited by the submitters: PubMed 31965079.

NC_012920.1(MT-TD):m.7555T>C

Gene: MT-TD (mitochondrially encoded tRNA aspartic acid; plus strand).
Variant type: single nucleotide variant.
Genome position: chrM-7555-T-C.
Identifiers: ClinVar variation 690046 (VCV000690046.1), dbSNP rs1603221010, ClinGen allele CA913177395.
Genomic context (GRCh38, chrMT:7,555, plus strand): 5'-ATGGCCTCCATGACTTTTTCAAAAAGGTATTAGAAAAACCATTTCATAACTTTGTCAAAG[T>C]TAAATTATAGGCTAAATCCTATATATCTTAATGGCACATGCAGCGCAAGTAGGTCTACAA-3'